The following is an entry in ClinVar:

ClinVar aggregate classification (germline): Likely pathogenic (1 of 4 stars; one submission).

Conditions:
Severe combined immunodeficiency, autosomal recessive, T cell-negative, B cell-negative, NK cell-negative, due to adenosine deaminase deficiency. Also called: Adenosine Deaminase Deficiency; ADA-SCID; SCID DUE TO ADA DEFICIENCY; SCID DUE TO ADA DEFICIENCY, EARLY-ONSET; ADA deficiency; Adenosine deaminase deficient severe combined immunodeficiency. Identifiers: Orphanet 277, MedGen C0392607, MONDO:0007064, OMIM 102700.

Submission:

Myriad Genetics, Inc.
Classification: Likely pathogenic for Severe combined immunodeficiency, autosomal recessive, T cell-negative, B cell-negative, NK cell-negative, due to adenosine deaminase deficiency. Last evaluated: 2021-12-31. Review status: criteria provided, single submitter. Criteria: Myriad Women's Health Autosomal Recessive and X-Linked Classification Criteria (2021). Collection method: clinical testing. Allele origin: unknown.
Comment: NM_000022.2(ADA):c.767delA(N256Tfs*55) is expected to be pathogenic in the context of adenosine deaminase deficiency. This variant is predicted to lead to an abnormal or absent protein product due to the creation of a premature termination codon in ADA, a gene where loss-of-function variants are known to be pathogenic. Please note: this variant was assessed in the context of healthy population screening.

NM_000022.4(ADA):c.767del (p.Asn256fs)

Gene: ADA (adenosine deaminase; minus strand). Cytogenetic location: 20q13.12.
Variant type: Deletion.
Coding change: c.767del on transcript NM_000022.4 (MANE Select); coding-DNA position 767, one base deleted (A; older notation c.767delA).
Protein change: p.Asn256fs; shifts the reading frame from asparagine 256.
Molecular consequence: frameshift variant. On other transcripts: non-coding transcript variant (1).
Genome position (GRCh38, 1-based): chr20:44,622,842, T deleted on the plus strand (A on the coding strand, the reverse complement: ADA is on the minus strand); the first of 4 consecutive T bases (chr20:44,622,842-44,622,845); deleting any one gives the same sequence. VCF-style (leftmost placement, unchanged base first): chr20-44622841-GT-G. GRCh37 (hg19) VCF-style: chr20-43251482-GT-G.
Other names: c.362del, p.Asn121fs (NM_001322050.2); c.695del, p.Asn232fs (NM_001322051.2); short protein forms N121fs, N232fs, N256fs.
Identifiers: ClinVar variation 1322821 (VCV001322821.4), dbSNP rs2123517868, ClinGen allele CA2573054872.